The following is an entry in ClinVar:

NC_000023.10:g.(?_32503016)_(32632590_?)dup

Gene: DMD (dystrophin; minus strand). Cytogenetic location: Xp21.1.
Variant type: Duplication.
Identifiers: ClinVar variation 1523449 (VCV001523449.5).

ClinVar aggregate classification (germline): Likely pathogenic (1 of 4 stars; one submission).

Conditions:
Duchenne muscular dystrophy (DMD). Also called: MUSCULAR DYSTROPHY, PSEUDOHYPERTROPHIC PROGRESSIVE, DUCHENNE TYPE; Duchenne Muscular Dystrophy (DMD). Identifiers: Orphanet 98896, MedGen C0013264, MONDO:0010679, OMIM 310200.

Submission:

Labcorp Genetics (formerly Invitae), Labcorp
Classification: Likely pathogenic for Duchenne muscular dystrophy. Last evaluated: 2023-06-17. Review status: criteria provided, single submitter. Criteria: Invitae Variant Classification Sherloc (09022015). Collection method: clinical testing. Allele origin: germline.
Comment: In summary, the currently available evidence indicates that the variant is pathogenic, but additional data are needed to prove that conclusively. Therefore, this variant has been classified as Likely Pathogenic. This variant has not been reported in the literature in individuals affected with DMD-related conditions. This variant results in a copy number gain of the genomic region encompassing exon(s) 12-21 of the DMD gene. While the exact position of this variant cannot be determined from the data, sub-genic copy number gains are generally in tandem (PMID: 25640679). This variant is predicted to be out-of-frame, and may result in an absent or disrupted protein product. Loss-of-function variants in DMD are known to be pathogenic (PMID: 16770791, 25007885).

Literature cited by the submitters: PubMed 25640679; PubMed 16770791; PubMed 25007885.